The following is an entry in ClinVar:

ClinVar aggregate classification (germline): Uncertain significance (1 of 4 stars; one submission).

Submission:

GeneDx
Classification: Uncertain significance. Last evaluated: 2023-05-02. Review status: criteria provided, single submitter. Criteria: GeneDx Variant Classification Process June 2021. Collection method: clinical testing. Allele origin: germline. Affected: yes.
Comment: Not observed at significant frequency in large population cohorts (gnomAD); In silico analysis supports that this missense variant has a deleterious effect on protein structure/function; Has not been previously published as pathogenic or benign to our knowledge

NM_030665.4(RAI1):c.241G>A (p.Gly81Ser)

Gene: RAI1 (retinoic acid induced 1; plus strand). Cytogenetic location: 17p11.2.
Variant type: single nucleotide variant.
Coding change: c.241G>A on transcript NM_030665.4 (MANE Select); coding-DNA position 241, G replaced by A.
Protein change: p.Gly81Ser; replaces glycine 81 with serine.
Molecular consequence: missense variant.
Genome position (GRCh38, 1-based): chr17:17,793,189, G>A. VCF-style: chr17-17793189-G-A. GRCh37 (hg19) VCF-style: chr17-17696503-G-A.
Other names: short protein forms G81S.
Identifiers: ClinVar variation 2663089 (VCV002663089.1), dbSNP rs2508567700, ClinGen allele CA398545039.